The following is an entry in ClinVar:

NM_000138.5(FBN1):c.6313_6313+1delinsAC

Gene: FBN1 (fibrillin 1; minus strand). Cytogenetic location: 15q21.1.
Variant type: Indel.
Coding change: c.6313_6313+1delinsAC on transcript NM_000138.5 (MANE Select); coding-DNA position 6313 through the canonical splice donor site of the intron after coding-DNA position 6313, GG replaced by AC.
Molecular consequence: splice donor variant.
Genome position (GRCh38, 1-based): chr15:48,437,767-48,437,768, CC replaced by GT on the plus strand (GG replaced by AC on the coding strand, the reverse complement: FBN1 is on the minus strand). VCF-style: chr15-48437767-CC-GT. GRCh37 (hg19) VCF-style: chr15-48729964-CC-GT.
Identifiers: ClinVar variation 2071127 (VCV002071127.4), dbSNP rs2505438414, ClinGen allele CA2580089640.

ClinVar aggregate classification (germline): Likely pathogenic (1 of 4 stars; one submission).

Conditions:
Familial thoracic aortic aneurysm and aortic dissection (TAAD). Also called: Thoracic aortic aneurysms and dissections. Identifiers: Orphanet 91387, MedGen C4707243, MONDO:0019625.
Marfan syndrome (MFS). Also called: MARFAN SYNDROME, TYPE I; Marfan syndrome type 1; Marfan's syndrome; Marfan syndrome, classic; FBN1-Related Marfan Syndrome. Identifiers: Orphanet 284963, Orphanet 558, MedGen C0024796, MONDO:0007947, OMIM 154700.

Submission:

Labcorp Genetics (formerly Invitae), Labcorp
Classification: Likely pathogenic for Marfan syndrome; Familial thoracic aortic aneurysm and aortic dissection. Last evaluated: 2022-01-02. Review status: criteria provided, single submitter. Criteria: Invitae Variant Classification Sherloc (09022015). Collection method: clinical testing. Allele origin: germline.
Comment: This sequence change affects a splice site in intron 51 of the FBN1 gene. It is expected to disrupt RNA splicing. Variants that disrupt the donor or acceptor splice site typically lead to a loss of protein function (PMID: 16199547), and loss-of-function variants in FBN1 are known to be pathogenic (PMID: 17657824, 19293843). Information on the frequency of this variant in the gnomAD database is not available, as this variant may be reported differently in the database. This variant has not been reported in the literature in individuals affected with FBN1-related conditions. Algorithms developed to predict the effect of sequence changes on RNA splicing suggest that this variant may disrupt the consensus splice site. In summary, the currently available evidence indicates that the variant is pathogenic, but additional data are needed to prove that conclusively. Therefore, this variant has been classified as Likely Pathogenic.

Literature cited by the submitters: PubMed 16199547; PubMed 17657824; PubMed 19293843.